The following is an entry in ClinVar:

ClinVar aggregate classification (germline): Uncertain significance. Review status: criteria provided, multiple submitters, no conflicts (2 of 4 stars). 2 submissions from 2 submitters: Uncertain significance (2). Last evaluated 2025-07-16.

Conditions:
Renal cell carcinoma. Identifiers: Orphanet 217071, MedGen C0007134, MeSH D002292, MONDO:0005086, HP:0005584.
Hereditary cancer-predisposing syndrome. Also called: Tumor predisposition; Hereditary neoplastic syndrome; Neoplastic Syndromes, Hereditary; Hereditary Cancer Syndrome. Identifiers: Orphanet 140162, MedGen C0027672, MeSH D009386, MONDO:0015356.

Allele frequency attached by ClinVar (database versions not stated): TOPMed below 0.00001.

Submissions (2):

Labcorp Genetics (formerly Invitae), Labcorp
Classification: Uncertain significance for Renal cell carcinoma. Last evaluated: 2025-07-16. Review status: criteria provided, single submitter. Criteria: Invitae Variant Classification Sherloc (09022015). Collection method: clinical testing. Allele origin: germline.
Comment: This sequence change replaces lysine, which is basic and polar, with arginine, which is basic and polar, at codon 447 of the MET protein (p.Lys447Arg). This variant is not present in population databases (gnomAD no frequency). This variant has not been reported in the literature in individuals affected with MET-related conditions. ClinVar contains an entry for this variant (Variation ID: 818894). Invitae Evidence Modeling of protein sequence and biophysical properties (such as structural, functional, and spatial information, amino acid conservation, physicochemical variation, residue mobility, and thermodynamic stability) indicates that this missense variant is not expected to disrupt MET protein function with a negative predictive value of 80%. In summary, the available evidence is currently insufficient to determine the role of this variant in disease. Therefore, it has been classified as a Variant of Uncertain Significance.

Ambry Genetics
Classification: Uncertain significance for Hereditary cancer-predisposing syndrome. Last evaluated: 2024-05-29. Review status: criteria provided, single submitter. Criteria: Ambry Variant Classification Scheme 2023. Collection method: clinical testing. Allele origin: germline.
Comment: The p.K447R variant (also known as c.1340A>G), located in coding exon 2 of the MET gene, results from an A to G substitution at nucleotide position 1340. The lysine at codon 447 is replaced by arginine, an amino acid with highly similar properties. This amino acid position is highly conserved in available vertebrate species. In addition, this alteration is predicted to be tolerated by in silico analysis. Based on the available evidence, the clinical significance of this variant remains unclear.

NM_000245.4(MET):c.1340A>G (p.Lys447Arg)

Gene: MET (MET proto-oncogene, receptor tyrosine kinase; plus strand). Cytogenetic location: 7q31.2.
Variant type: single nucleotide variant.
Coding change: c.1340A>G on transcript NM_000245.4 (MANE Select); coding-DNA position 1340, A replaced by G.
Protein change: p.Lys447Arg; replaces lysine 447 with arginine.
Molecular consequence: missense variant.
Genome position (GRCh38, 1-based): chr7:116,731,807, A>G. VCF-style: chr7-116731807-A-G. GRCh37 (hg19) VCF-style: chr7-116371861-A-G.
Other names: c.1340A>G, p.Lys447Arg (NM_001127500.3, NM_001324401.3); c.50A>G, p.Lys17Arg (NM_001324402.2); short protein forms K447R, K17R.
Identifiers: ClinVar variation 818894 (VCV000818894.10), dbSNP rs1584914259, ClinGen allele CA368972965.